The following is an entry in ClinVar:

NM_003108.4(SOX11):c.527C>A (p.Ala176Glu)

Gene: SOX11 (SRY-box transcription factor 11; plus strand). Cytogenetic location: 2p25.2.
Variant type: single nucleotide variant.
Coding change: c.527C>A on transcript NM_003108.4 (MANE Select); coding-DNA position 527, C replaced by A.
Protein change: p.Ala176Glu; replaces alanine 176 with glutamic acid.
Molecular consequence: missense variant.
Genome position (GRCh38, 1-based): chr2:5,693,248, C>A. VCF-style: chr2-5693248-C-A. GRCh37 (hg19) VCF-style: chr2-5833380-C-A.
Other names: short protein forms A176E.
Identifiers: ClinVar variation 2443022 (VCV002443022.2), dbSNP rs1665667770, ClinGen allele CA345866900.

ClinVar aggregate classification (germline): Uncertain significance. Review status: criteria provided, multiple submitters, no conflicts (2 of 4 stars). 2 submissions from 2 submitters: Uncertain significance (2). Last evaluated 2025-10-02.

Conditions:
Intellectual developmental disorder with microcephaly and with or without ocular malformations or hypogonadotropic hypogonadism. Also called: Coffin-Siris Syndrome 9; Intellectual disability, autosomal dominant 27. Identifiers: Orphanet 1465, MedGen C4014528, MONDO:0014376, OMIM 615866.

Submissions (2):

Labcorp Genetics (formerly Invitae), Labcorp
Classification: Uncertain significance. Last evaluated: 2025-10-02. Review status: criteria provided, single submitter. Criteria: Invitae Variant Classification Sherloc (09022015). Collection method: clinical testing. Allele origin: germline.
Comment: This sequence change replaces alanine, which is neutral and non-polar, with glutamic acid, which is acidic and polar, at codon 176 of the SOX11 protein (p.Ala176Glu). This variant is not present in population databases (gnomAD no frequency). This missense change has been observed in individual(s) with SOX11-related conditions (PMID: 35341651). ClinVar contains an entry for this variant (Variation ID: 2443022). Invitae Evidence Modeling of protein sequence and biophysical properties (such as structural, functional, and spatial information, amino acid conservation, physicochemical variation, residue mobility, and thermodynamic stability) indicates that this missense variant is not expected to disrupt SOX11 protein function with a negative predictive value of 95%. Experimental studies have shown that this missense change affects SOX11 function (PMID: 35341651). In summary, the available evidence is currently insufficient to determine the role of this variant in disease. Therefore, it has been classified as a Variant of Uncertain Significance.

SIB Swiss Institute of Bioinformatics
Classification: Uncertain significance for Intellectual developmental disorder with microcephaly and with or without ocular malformations or hypogonadotropic hypogonadism. Last evaluated: 2023-03-09. Review status: criteria provided, single submitter. Criteria: ACMG Guidelines, 2015. Collection method: curation. Allele origin: unknown.
Comment: This variant is interpreted as a variant of uncertain significance for Intellectual developmental disorder with microcephaly and with or without ocular malformations or hypogonadotropic hypogonadism, autosomal dominant. The following ACMG Tag(s) were applied: Absent from controls (or at extremely low frequency if recessive) in Exome Sequencing Project, 1000 Genomes Project, or Exome Aggregation Consortium (PM2); De novo paternity and maternity not confirmed (PM6).

Literature cited by the submitters: PubMed 35341651 (cited by Labcorp Genetics (formerly Invitae), Labcorp and SIB Swiss Institute of Bioinformatics).